The following is an entry in ClinVar:

NM_004360.5(CDH1):c.1930G>A (p.Asp644Asn)

Gene: CDH1 (cadherin 1; plus strand). Cytogenetic location: 16q22.1.
Variant type: single nucleotide variant.
Coding change: c.1930G>A on transcript NM_004360.5 (MANE Select); coding-DNA position 1930, G replaced by A.
Protein change: p.Asp644Asn; replaces aspartic acid 644 with asparagine.
Molecular consequence: missense variant. On other transcripts: 5 prime UTR variant (1).
Genome position (GRCh38, 1-based): chr16:68,822,219, G>A. VCF-style: chr16-68822219-G-A. GRCh37 (hg19) VCF-style: chr16-68856122-G-A.
Other names: c.1747G>A, p.Asp583Asn (NM_001317184.2); c.382G>A, p.Asp128Asn (NM_001317185.2); c.-36G>A (NM_001317186.2); c.1930G>A (LRG_301t1); short protein forms D644N, D128N, D583N.
Identifiers: ClinVar variation 141371 (VCV000141371.31), dbSNP rs587781696, ClinGen allele CA165250.

ClinVar aggregate classification (germline): Conflicting classifications of pathogenicity. Review status: criteria provided, conflicting classifications (1 of 4 stars). 12 submissions from 12 submitters: Uncertain significance (10); Likely benign (1). 1 of the submissions does not count toward it. Last evaluated 2025-12-18.

Conditions:
Ovarian cancer. Also called: OVARIAN CANCER, SOMATIC. Identifiers: Orphanet 213500, MedGen C1140680, MONDO:0008170, OMIM 167000.
Familial cancer of breast. Also called: BREAST CANCER, FAMILIAL; Hereditary breast cancer; hereditary breast carcinoma. Identifiers: Orphanet 227535, MedGen C0346153, MONDO:0016419, OMIM 114480. Disease mechanism: loss of function.
Hereditary cancer-predisposing syndrome. Also called: Neoplastic Syndromes, Hereditary; Hereditary Cancer Syndrome; Tumor predisposition; Hereditary neoplastic syndrome. Identifiers: Orphanet 140162, MedGen C0027672, MeSH D009386, MONDO:0015356.
Hereditary breast ovarian cancer syndrome. Also called: BRCA1- and BRCA2-Associated Hereditary Breast and Ovarian Cancer; Hereditary breast and ovarian cancer; Hereditary breast and ovarian cancer syndrome; Hereditary breast and ovarian cancer syndrome (HBOC); Hereditary breast and/or ovarian cancer syndrome; Breast and ovarian cancer. Identifiers: Orphanet 145, MedGen C0677776, MeSH D061325, MONDO:0003582. Disease mechanism: loss of function.
Hereditary diffuse gastric adenocarcinoma (HDGC). Also called: DIFFUSE GASTRIC AND LOBULAR BREAST CANCER SYNDROME. Identifiers: Orphanet 26106, MedGen C1708349, MONDO:0007648, OMIM 137215.

Allele frequency attached by ClinVar (database versions not stated): gnomAD exomes below 0.00001; gnomAD 0.00002; TOPMed 0.00002.
gnomAD v4.1: 14 of 1,612,716 alleles (0.00087%); highest among the groups gnomAD compares: African/African-American, 0.0053%; no homozygotes.

Submissions (12):

Women's Health and Genetics/Laboratory Corporation of America, LabCorp
Classification: Uncertain significance. Last evaluated: 2025-12-18. Review status: criteria provided, single submitter. Criteria: LabCorp Variant Classification Summary - May 2015. Collection method: clinical testing. Allele origin: germline.
Comment: Variant summary: CDH1 c.1930G>A (p.Asp644Asn) results in a conservative amino acid change in the encoded protein sequence. Algorithms developed to predict the effect of missense changes on protein structure and function all suggest that this variant is likely to be tolerated. The variant allele was found at a frequency of 2.2e-05 in 276438 control chromosomes. The available data on variant occurrences in the general population are insufficient to allow any conclusion about variant significance. c.1930G>A has been observed in individual(s) affected with CDH1-related Cancer. These report(s) do not provide unequivocal conclusions about association of the variant with Hereditary Diffuse Gastric Cancer. To our knowledge, no experimental evidence demonstrating an impact on protein function has been reported. The following publications have been ascertained in the context of this evaluation (PMID: 29470806, 30287823, 36243179). ClinVar contains an entry for this variant (Variation ID: 141371). Other variants at codon Asp644 have been reported without conclusive evidence. Based on the evidence outlined above, the variant was classified as uncertain significance.

Labcorp Genetics (formerly Invitae), Labcorp
Classification: Uncertain significance for Hereditary diffuse gastric adenocarcinoma. Last evaluated: 2025-11-25. Review status: criteria provided, single submitter. Criteria: Invitae Variant Classification Sherloc (09022015). Collection method: clinical testing. Allele origin: germline.
Comment: This sequence change replaces aspartic acid, which is acidic and polar, with asparagine, which is neutral and polar, at codon 644 of the CDH1 protein (p.Asp644Asn). This variant is present in population databases (rs587781696, gnomAD 0.008%). This missense change has been observed in individual(s) with breast and/or ovarian cancer (PMID: 29470806, 30287823). ClinVar contains an entry for this variant (Variation ID: 141371). An algorithm developed to predict the effect of missense changes on protein structure and function (PolyPhen-2) suggests that this variant is likely to be tolerated. In summary, the available evidence is currently insufficient to determine the role of this variant in disease. Therefore, it has been classified as a Variant of Uncertain Significance.

Quest Diagnostics Nichols Institute San Juan Capistrano
Classification: Uncertain significance. Last evaluated: 2025-09-02. Review status: criteria provided, single submitter. Criteria: Quest Diagnostics criteria. Collection method: clinical testing. Allele origin: unknown.
Comment: The CDH1 c.1930G>A (p.Asp644Asn) variant has not been reported in individuals with hereditary diffuse gastric cancer. However, it has been reported in individuals with breast cancer (PMID: 33471991 (2021), 29470806 (2018)) and early onset colorectal cancer (PMID: 39656055 (2024)). This variant has been identified in reportedly unaffected individuals (PMID: 36243179 (2022), 30287823 (2018)). The frequency of this variant in the general population, 0.00008 (2/282804 chromosomes), is uninformative in assessment of its pathogenicity. Analysis of this variant using bioinformatics tools for the prediction of the effect of amino acid changes on protein structure and function yielded predictions that this variant is benign. Based on the available information, we are unable to determine the clinical significance of this variant.

Dasa
Classification: Uncertain significance. Last evaluated: 2025-01-14. Review status: criteria provided, single submitter. Criteria: DASA Assertion Criteria. Collection method: clinical testing. Allele origin: germline.
Comment: NM_004360.5(CDH1):c.1930G>A (p.Asp644Asn) is a missense variant that results in the substitution of aspartic acid with asparagine. This variant is rare in population databases. Computational prediction algorithms are consistent with a benign effect. The currently available literature and clinical evidence are not sufficient to establish a definitive association between this variant and the reported condition. Therefore, this variant is classified as a variant of uncertain significance.

Color Diagnostics, LLC DBA Color Health
Classification: Uncertain significance for Hereditary cancer-predisposing syndrome. Last evaluated: 2024-11-13. Review status: criteria provided, single submitter. Criteria: ACMG Guidelines, 2015. Collection method: clinical testing. Allele origin: germline.
Comment: This missense variant replaces aspartic acid with asparagine at codon 644 of the CDH1 protein. To our knowledge, functional studies have not been reported for this variant. This variant has been reported in individuals affected with breast cancer (PMID: 29470806, 30287823, 33471991) as well as in unaffected individuals (PMID: 30287823, 36243179). This variant has not been reported in individuals affected with hereditary diffuse gastric cancer. This variant has been identified in 2/282804 chromosomes in the general population by the Genome Aggregation Database (gnomAD). The available evidence is insufficient to determine the role of this variant in disease conclusively. Therefore, this variant is classified as a Variant of Uncertain Significance.

Baylor Genetics
Classification: Uncertain significance for Familial cancer of breast. Last evaluated: 2023-12-27. Review status: criteria provided, single submitter. Criteria: ACMG Guidelines, 2015. Collection method: clinical testing. Allele origin: unknown.

Myriad Genetics, Inc.
Classification: Uncertain significance for Hereditary diffuse gastric adenocarcinoma. Last evaluated: 2023-03-06. Review status: criteria provided, single submitter. Criteria: Myriad Autosomal Dominant, Autosomal Recessive and X-Linked Classification Criteria (2023). Collection method: clinical testing. Allele origin: unknown.
Comment: This variant is classified as a variant of uncertain significance as there is insufficient evidence to determine its impact on protein function and/or cancer risk.

Department of Pathology and Laboratory Medicine, Sinai Health System
Classification: Uncertain significance for Familial cancer of breast; Ovarian cancer. Last evaluated: 2022-06-08. Review status: criteria provided, single submitter. Criteria: ACMG Guidelines, 2015. Collection method: clinical testing. Allele origin: germline. Affected: yes.

Ambry Genetics
Classification: Likely benign for Hereditary cancer-predisposing syndrome. Last evaluated: 2021-06-11. Review status: criteria provided, single submitter. Criteria: Ambry Variant Classification Scheme 2023. Collection method: clinical testing. Allele origin: germline.

Cancer Genomics Group, Japanese Foundation For Cancer Research
Classification: Uncertain significance for Hereditary breast and ovarian cancer syndrome. Last evaluated: 2019-05-01. Review status: criteria provided, single submitter. Criteria: ACMG Guidelines, 2015. Collection method: research. Allele origin: germline. Affected: yes.

GeneDx
Classification: Uncertain significance. Last evaluated: 2018-12-11. Review status: criteria provided, single submitter. Criteria: GeneDx Variant Classification (06012015). Collection method: clinical testing. Allele origin: germline. Affected: yes.
Comment: This variant is denoted CDH1 c.1930G>A at the cDNA level, p.Asp644Asn (D644N) at the protein level, and results in the change of an Aspartic Acid to an Asparagine (GAC>AAC). In a Japanese case-control study, this variant was not reported in any breast cancer cases, but was observed in unaffected male controls (Momozawa 2018). CDH1 Asp644Asn was not observed at a significant allele frequency in large population cohorts (Lek 2016). This variant is located in cadherin 5 of the extracellurlar domain (Brooks-Wilson 2004, Figueiredo 2013, UniProt). In silico analysis, which includes protein predictors and evolutionary conservation, supports that this variant does not alter protein structure/function. Based on currently available evidence, it is unclear whether CDH1 Asp644Asn is a pathogenic or benign variant. We consider it to be a variant of uncertain significance.

Counsyl
Classification: Uncertain significance for Hereditary diffuse gastric adenocarcinoma. Last evaluated: 2017-11-28. Review status: no assertion criteria provided. Collection method: clinical testing. Allele origin: unknown. Not counted in ClinVar's aggregate classification.

Literature cited by the submitters: PubMed 30287823 (cited by 5 submitters); PubMed 29470806 (cited by 6 submitters); PubMed 36243179 (cited by 3 submitters); PubMed 39656055 (cited by Quest Diagnostics Nichols Institute San Juan Capistrano); PubMed 33471991 (cited by 3 submitters).